The following is an entry in ClinVar:

NM_000535.7(PMS2):c.2007-1G>C

Gene: PMS2 (PMS1 homolog 2, mismatch repair system component; minus strand). Cytogenetic location: 7p22.1.
Variant type: single nucleotide variant.
Coding change: c.2007-1G>C on transcript NM_000535.7 (MANE Select); the canonical splice acceptor site of the intron before coding-DNA position 2007, G replaced by C.
Molecular consequence: splice acceptor variant. On other transcripts: intron variant (4).
Genome position (GRCh38, 1-based): chr7:5,982,992, C>G on the plus strand (G>C on the coding strand, the complement: PMS2 is on the minus strand). VCF-style: chr7-5982992-C-G. GRCh37 (hg19) VCF-style: chr7-6022623-C-G.
Other names: c.1683-1G>C (NM_001406884.1); c.1839-1G>C (NM_001406874.1); c.1074-1G>C (NM_001322011.2, NM_001322012.2); c.1899-1G>C (NM_001406869.1); c.1809-1G>C (NM_001406873.1); c.804-1G>C (NM_001406912.1); c.1851-1G>C (NM_001322006.2, NM_001406870.1); c.2006+3767G>C (NM_001406872.1); and 16 more.
Identifiers: ClinVar variation 1784331 (VCV001784331.5), dbSNP rs267608170, ClinGen allele CA366738203.
Genomic context (GRCh38, chr7:5,982,992, plus strand): 5'-GTTATTATAAATCCCAGGTTAAACTGACCAATGATTTCCATTTCTGCAAACATCGTTTTA[C>G]TGCAGGTAGAAAATGTTAATTATCAGACATTTTACAAGATTATTTTTCTGATTATGTTAT-3'

ClinVar aggregate classification (germline): Pathogenic/Likely pathogenic. Review status: criteria provided, multiple submitters, no conflicts (2 of 4 stars). 2 submissions from 2 submitters: Pathogenic (1); Likely pathogenic (1). Last evaluated 2026-08-25.

Conditions:
Hereditary cancer-predisposing syndrome. Also called: Hereditary Cancer Syndrome; Hereditary neoplastic syndrome; Neoplastic Syndromes, Hereditary; Tumor predisposition. Identifiers: Orphanet 140162, MedGen C0027672, MeSH D009386, MONDO:0015356.
Lynch syndrome 4 (LYNCH4). Also called: Colorectal cancer, hereditary nonpolyposis, type 4; Hereditary non-polyposis colorectal cancer, type 4. Identifiers: Orphanet 144, MedGen C1838333, MONDO:0013699, OMIM 614337. Disease mechanism: loss of function.

Submissions (2):

Ambry Genetics
Classification: Likely pathogenic for Hereditary cancer-predisposing syndrome. Last evaluated: 2026-08-25. Review status: criteria provided, single submitter. Criteria: Ambry Variant Classification Scheme 2023. Collection method: clinical testing. Allele origin: germline.
Comment: The c.2007-1G>C intronic variant results from a G to C substitution one nucleotide upstream from coding exon 12 of the PMS2 gene. This nucleotide position is highly conserved in available vertebrate species. In silico splice site analysis predicts that this alteration will weaken the native splice acceptor site and will result in the creation or strengthening of a novel splice acceptor site. Other variant(s) impacting the same acceptor site (c.2007-2A>G) have been identified in individual(s) with features consistent with PMS2-related Lynch syndrome (Lavoine N et al. J Med Genet, 2015 Nov;52:770-8; Tesch VK et al. Front Immunol, 2018 Jul;9:1506; Wang Q et al. J Med Genet, 2020 07;57:487-499); Ambry internal data). Alterations that disrupt the canonical splice site are expected to cause aberrant splicing, resulting in an abnormal protein or a transcript that is subject to nonsense-mediated mRNA decay. As such, this alteration is classified as likely pathogenic.

Myriad Genetics, Inc.
Classification: Pathogenic for Lynch syndrome 4. Last evaluated: 2025-03-14. Review status: criteria provided, single submitter. Criteria: Myriad Autosomal Dominant, Autosomal Recessive and X-Linked Classification Criteria (2023). Collection method: clinical testing. Allele origin: unknown.
Comment: This variant is considered pathogenic. This variant occurs within a consensus splice junction and is predicted to result in abnormal mRNA splicing of either an out-of-frame exon or an in-frame exon necessary for protein stability and/or normal function. This variant has been reported in multiple individuals with clinical features of gene-specific disease [PMID: 26318770, 30013564, 32642664].

Literature cited by the submitters: PubMed 26318770 (cited by Myriad Genetics, Inc.); PubMed 30013564 (cited by Myriad Genetics, Inc.); PubMed 32642664 (cited by Myriad Genetics, Inc.).